The following is an entry in ClinVar:

NM_002485.5(NBN):c.1354A>C (p.Thr452Pro)

Gene: NBN (nibrin; minus strand). Cytogenetic location: 8q21.3.
Variant type: single nucleotide variant.
Coding change: c.1354A>C on transcript NM_002485.5 (MANE Select); coding-DNA position 1354, A replaced by C.
Protein change: p.Thr452Pro; replaces threonine 452 with proline.
Molecular consequence: missense variant.
Genome position (GRCh38, 1-based): chr8:89,955,326, T>G on the plus strand (A>C on the coding strand, the complement: NBN is on the minus strand). VCF-style: chr8-89955326-T-G. GRCh37 (hg19) VCF-style: chr8-90967554-T-G.
Other names: p.T452P:ACC>CCC; NP_002476.2:p.Thr452Pro; c.1108A>C, p.Thr370Pro (NM_001024688.3); short protein forms T452P, T370P.
Identifiers: ClinVar variation 142374 (VCV000142374.63), dbSNP rs141137543, ClinGen allele CA294382.
Genomic context (GRCh38, chr8:89,955,326, plus strand): 5'-AGTTATCAAAAACAGACCTTTTTTTGGTAGACGGCTGAAAGTAGTTTCTGATGGAGTTGG[T>G]CTGCTGCTGCTGAGAAGCCCTATCTTTACTTTTATTTATACTTGGCAATTTAGTTGGTGA-3'
Protein context (NP_002476.2, residues 442-462): SKDRASQQQQ[Thr452Pro]NSIRNYFQPS

ClinVar aggregate classification (germline): Conflicting classifications of pathogenicity. Review status: criteria provided, conflicting classifications (1 of 4 stars). 18 submissions from 18 submitters: Uncertain significance (5); Likely benign (11). 2 of the submissions do not count toward it. Last evaluated 2026-01-18.

Conditions:
NBN-related disorder. Also called: NBN-related condition.
Hereditary cancer. Identifiers: MedGen C1333600.
Hereditary cancer-predisposing syndrome. Also called: Tumor predisposition; Hereditary neoplastic syndrome; Hereditary Cancer Syndrome; Neoplastic Syndromes, Hereditary. Identifiers: Orphanet 140162, MedGen C0027672, MeSH D009386, MONDO:0015356.
Hereditary breast ovarian cancer syndrome. Also called: Hereditary breast and ovarian cancer; Hereditary breast and/or ovarian cancer syndrome; BRCA1- and BRCA2-Associated Hereditary Breast and Ovarian Cancer; Hereditary breast and ovarian cancer syndrome (HBOC); Hereditary breast and ovarian cancer syndrome; Breast and ovarian cancer. Identifiers: Orphanet 145, MedGen C0677776, MeSH D061325, MONDO:0003582. Disease mechanism: loss of function.
Microcephaly, normal intelligence and immunodeficiency (NBS). Also called: Nijmegen breakage syndrome; BERLIN BREAKAGE SYNDROME; Ataxia telangiectasia variant V1; SEEMANOVA SYNDROME II; IMMUNODEFICIENCY, MICROCEPHALY, AND CHROMOSOMAL INSTABILITY; Immunodeficiency, microcephaly with normal intelligence. Identifiers: Orphanet 647, MedGen C0398791, MONDO:0009623, OMIM 251260.

Allele frequency attached by ClinVar (database versions not stated): gnomAD exomes 0.00022; ExAC 0.00030; 1000 Genomes Project 30x 0.00031; 1000 Genomes Project 0.00040; gnomAD 0.00068 and 0.00075; TOPMed 0.00077; ESP Exome Variant Server 0.00115.
gnomAD v4.1: 212 of 1,613,856 alleles (0.013%); highest among the groups gnomAD compares: African/African-American, 0.24%; 1 homozygote.

Submissions (18):

Labcorp Genetics (formerly Invitae), Labcorp
Classification: Likely benign for Microcephaly, normal intelligence and immunodeficiency. Last evaluated: 2026-01-18. Review status: criteria provided, single submitter. Criteria: Invitae Variant Classification Sherloc (09022015). Collection method: clinical testing. Allele origin: germline.

Dasa
Classification: Likely benign. Last evaluated: 2025-11-12. Review status: criteria provided, single submitter. Criteria: DASA Assertion Criteria. Collection method: clinical testing. Allele origin: germline.
Comment: NM_002485.5(NBN):c.1354A>C (p.Thr452Pro) is a missense variant that results in the substitution of threonine with proline. Population frequency is inconsistent with a disease-causing role for this variant. Computational prediction algorithms are consistent with a benign effect. Therefore, based on the currently available evidence, this variant is classified as likely benign.

CeGaT Center for Human Genetics Tuebingen
Classification: Likely benign. Last evaluated: 2025-04-01. Review status: criteria provided, single submitter. Criteria: CeGaT Center For Human Genetics Tuebingen Variant Classification Criteria Version 2. Collection method: clinical testing. Allele origin: germline. Affected: yes. Observed: 1 variant allele.
Comment: NBN: BP4

Quest Diagnostics Nichols Institute San Juan Capistrano
Classification: Likely benign. Last evaluated: 2025-01-14. Review status: criteria provided, single submitter. Criteria: Quest Diagnostics criteria. Collection method: clinical testing. Allele origin: unknown.

Women's Health and Genetics/Laboratory Corporation of America, LabCorp
Classification: Likely benign. Last evaluated: 2024-03-04. Review status: criteria provided, single submitter. Criteria: LabCorp Variant Classification Summary - May 2015. Collection method: clinical testing. Allele origin: germline.

Mendelics
Classification: Likely benign for Hereditary cancer. Last evaluated: 2024-01-23. Review status: criteria provided, single submitter. Criteria: ACMG Guidelines, 2015. Collection method: clinical testing. Allele origin: unknown.

Institute for Biomarker Research, Medical Diagnostic Laboratories, L.L.C.
Classification: Uncertain significance for Hereditary cancer-predisposing syndrome. Last evaluated: 2022-11-15. Review status: criteria provided, single submitter. Criteria: ACMG Guidelines, 2015. Collection method: clinical testing. Allele origin: germline.

Mayo Clinic Laboratories, Mayo Clinic
Classification: Uncertain significance. Last evaluated: 2022-08-31. Review status: criteria provided, single submitter. Criteria: ACMG Guidelines, 2015. Collection method: clinical testing. Allele origin: germline. Observed: 2 variant alleles.
Comment: BP4

National Health Laboratory Service, Universitas Academic Hospital and University of the Free State
Classification: Likely benign for Hereditary breast ovarian cancer syndrome. Last evaluated: 2022-04-19. Review status: criteria provided, single submitter. Criteria: ACMG Guidelines, 2015. Collection method: clinical testing. Allele origin: germline. Affected: yes. Observed: 1 variant allele.

Genome-Nilou Lab
Classification: Likely benign for Microcephaly, normal intelligence and immunodeficiency. Last evaluated: 2021-11-07. Review status: criteria provided, single submitter. Criteria: ACMG Guidelines, 2015. Collection method: clinical testing. Allele origin: germline. Affected: no.

Sema4
Classification: Likely benign for Hereditary cancer-predisposing syndrome. Last evaluated: 2021-08-11. Review status: criteria provided, single submitter. Criteria: Sema4 Curation Guidelines. Collection method: curation. Allele origin: germline.

GeneDx
Classification: Likely benign. Last evaluated: 2020-07-06. Review status: criteria provided, single submitter. Criteria: GeneDx Variant Classification Process June 2021. Collection method: clinical testing. Allele origin: germline. Affected: yes.
Comment: In silico analysis supports that this missense variant does not alter protein structure/function This variant is associated with the following publications: (PMID: 30564542, 27443514, 26976419, 25980754, 30309722)

Ambry Genetics
Classification: Likely benign for Hereditary cancer-predisposing syndrome. Last evaluated: 2020-04-07. Review status: criteria provided, single submitter. Criteria: Ambry Variant Classification Scheme 2023. Collection method: clinical testing. Allele origin: germline.

ARUP Laboratories, Molecular Genetics and Genomics, ARUP Laboratories
Classification: Uncertain significance. Last evaluated: 2019-04-05. Review status: criteria provided, single submitter. Criteria: ARUP Molecular Germline Variant Investigation Process. Collection method: clinical testing. Allele origin: germline.

Eurofins Ntd Llc (ga)
Classification: Uncertain significance. Last evaluated: 2018-09-18. Review status: criteria provided, single submitter. Criteria: EGL ClinVar v180209 classification definitions. Collection method: clinical testing. Allele origin: germline. Observed: 1 variant allele, 1 heterozygote.

Genetic Services Laboratory, University of Chicago
Classification: Uncertain significance. Last evaluated: 2017-02-07. Review status: criteria provided, single submitter. Criteria: ACMG Guidelines, 2015. Collection method: clinical testing. Allele origin: germline. Affected: no.

PreventionGenetics, part of Exact Sciences
Classification: Likely benign for NBN-related condition. Last evaluated: 2022-12-07. Review status: no assertion criteria provided. Collection method: clinical testing. Allele origin: germline. Not counted in ClinVar's aggregate classification.
Comment: This variant is classified as likely benign based on ACMG/AMP sequence variant interpretation guidelines (Richards et al. 2015 PMID: 25741868, with internal and published modifications).

Department of Pathology and Laboratory Medicine, Sinai Health System
Classification: Uncertain significance. Review status: no assertion criteria provided. Collection method: clinical testing. Allele origin: unknown. Affected: yes. Study: The Canadian Open Genetics Repository (COGR). Not counted in ClinVar's aggregate classification.
Comment: The NBN p.Thr452Pro variant was identified in 2 of 1738 proband chromosomes (frequency: 0.001) from individuals or families with breast or endometrial cancer (Tung 2016, Ring 2016). The variant was also identified in dbSNP (ID: rs141137543) as "With other allele", in ClinVar (classified as likely benign by GeneDx and Invitae; uncertain significance by Ambry Genetics, University of Chicago, Mendelics, EGL and ARUP Laboratories), LOVD 3.0 (classified as effect unknown by one submitter). The variant was identified in control databases in 72 of 276950 chromosomes at a frequency of 0.0003 increasing the likelihood this could be a low frequency benign variant (Genome Aggregation Database Feb 27, 2017). The variant was observed in the following populations: African in 61 of 24010 chromosomes (freq: 0.003), Other in 1 of 6456 chromosomes (freq: 0.0002), Latino in 9 of 34394 chromosomes (freq: 0.0003), European Non-Finnish in 1 of 126548 chromosomes (freq: 0.000008); it was not observed in the Ashkenazi Jewish, East Asian, Finnish, and South Asian populations. The p.Thr452 residue is conserved in mammals and computational analyses (PolyPhen-2, SIFT, AlignGVGD, BLOSUM, MutationTaster) provide inconsistent predictions regarding the impact to the protein; this information is not very predictive of pathogenicity. The variant occurs outside of the splicing consensus sequence and 1 of 4 in silico or computational prediction software programs (SpliceSiteFinder, MaxEntScan, NNSPLICE, GeneSplicer) predict a greater than 10% difference in splicing; this is not very predictive of pathogenicity. In summary, based on the above information the clinical significance of this variant cannot be determined with certainty at this time. This variant is classified as a variant of uncertain significance.

Literature cited by the submitters: PubMed 36346689 (cited by Quest Diagnostics Nichols Institute San Juan Capistrano); PubMed 32959997 (cited by Quest Diagnostics Nichols Institute San Juan Capistrano and Mayo Clinic Laboratories, Mayo Clinic); PubMed 25980754 (cited by Quest Diagnostics Nichols Institute San Juan Capistrano and Women's Health and Genetics/Laboratory Corporation of America, LabCorp); PubMed 26976419 (cited by 3 submitters); PubMed 28873162 (cited by Quest Diagnostics Nichols Institute San Juan Capistrano); PubMed 30564542 (cited by 3 submitters); PubMed 27443514 (cited by Quest Diagnostics Nichols Institute San Juan Capistrano and Women's Health and Genetics/Laboratory Corporation of America, LabCorp); PubMed 23555315 (cited by Quest Diagnostics Nichols Institute San Juan Capistrano and Women's Health and Genetics/Laboratory Corporation of America, LabCorp).